The following is an entry in ClinVar:

ClinVar aggregate classification (germline): Likely pathogenic (1 of 4 stars; one submission).

Conditions:
GNPTAB-mucolipidosis. Also called: UDP-N-acetylglucosamine-1-phosphotransferase subunit alpha/beta deficiency. Identifiers: MedGen CN322573, MONDO:0100122.

Submission:

Myriad Genetics, Inc.
Classification: Likely pathogenic for GNPTAB-mucolipidosis. Last evaluated: 2022-05-02. Review status: criteria provided, single submitter. Criteria: Myriad Autosomal Dominant, Autosomal Recessive and X-Linked Classification Criteria (2023). Collection method: clinical testing. Allele origin: unknown.
Comment: NM_024312.4(GNPTAB):c.1693delT(Y565Ifs*7) is expected to be pathogenic in the context of GNPTAB-related disorders. This variant is predicted to lead to an abnormal or absent protein product due to the creation of a premature termination codon in GNPTAB, a gene where loss-of-function variants are known to be pathogenic. Please note: this variant was assessed in the context of healthy population screening.

NM_024312.5(GNPTAB):c.1693del (p.Tyr565fs)

Gene: GNPTAB (N-acetylglucosamine-1-phosphate transferase subunits alpha and beta; minus strand). Cytogenetic location: 12q23.2.
Variant type: Deletion.
Coding change: c.1693del on transcript NM_024312.5 (MANE Select); coding-DNA position 1693, one base deleted (T; older notation c.1693delT).
Protein change: p.Tyr565fs; shifts the reading frame from tyrosine 565.
Molecular consequence: frameshift variant.
Genome position (GRCh38, 1-based): chr12:101,765,224, A deleted on the plus strand (T on the coding strand, the reverse complement: GNPTAB is on the minus strand); the first of 2 consecutive A bases (chr12:101,765,224-101,765,225); deleting either gives the same sequence. VCF-style (leftmost placement, unchanged base first): chr12-101765223-TA-T. GRCh37 (hg19) VCF-style: chr12-102159001-TA-T.
Other names: short protein forms Y565fs.
Identifiers: ClinVar variation 1726000 (VCV001726000.3), dbSNP rs2547957990, ClinGen allele CA2580085697.
Genomic context (GRCh38, chr12:101,765,223, plus strand): 5'-ATTGGATTGTCACTATAGGCACCTTCAACTCCTCTTTTGGCTACTTCTGCAAAGCTGAAA[TA>T]AGGCAGGCATTCACCTTTTGGAATAATATAGTGAGTCTGGTTTGGGAGAAGGATCACTTT-3'